The following is an entry in ClinVar:

NM_198586.3(NHLRC1):c.397G>A (p.Ala133Thr)

Gene: NHLRC1 (NHL repeat containing E3 ubiquitin protein ligase 1; minus strand). Cytogenetic location: 6p22.3.
Variant type: single nucleotide variant.
Coding change: c.397G>A on transcript NM_198586.3 (MANE Select); coding-DNA position 397, G replaced by A.
Protein change: p.Ala133Thr; replaces alanine 133 with threonine.
Molecular consequence: missense variant.
Genome position (GRCh38, 1-based): chr6:18,122,210, C>T on the plus strand (G>A on the coding strand, the complement: NHLRC1 is on the minus strand). VCF-style: chr6-18122210-C-T. GRCh37 (hg19) VCF-style: chr6-18122441-C-T.
Other names: short protein forms A133T.
Identifiers: ClinVar variation 356082 (VCV000356082.7), dbSNP rs886061254, ClinGen allele CA10623479.

ClinVar aggregate classification (germline): Uncertain significance. Review status: criteria provided, multiple submitters, no conflicts (2 of 4 stars). 2 submissions from 2 submitters: Uncertain significance (2). Last evaluated 2023-10-03.

Conditions:
Lafora disease. Also called: Epilepsy progressive myoclonic 2. Identifiers: Orphanet 501, MedGen C0751783, MONDO:0009697.

Allele frequency attached by ClinVar (database versions not stated): gnomAD exomes below 0.00001; TOPMed below 0.00001.

Submissions (2):

Labcorp Genetics (formerly Invitae), Labcorp
Classification: Uncertain significance for Lafora disease. Last evaluated: 2023-10-03. Review status: criteria provided, single submitter. Criteria: Invitae Variant Classification Sherloc (09022015). Collection method: clinical testing. Allele origin: germline.
Comment: This sequence change replaces alanine, which is neutral and non-polar, with threonine, which is neutral and polar, at codon 133 of the NHLRC1 protein (p.Ala133Thr). The frequency data for this variant in the population databases is considered unreliable, as metrics indicate poor data quality at this position in the gnomAD database. This variant has not been reported in the literature in individuals affected with NHLRC1-related conditions. ClinVar contains an entry for this variant (Variation ID: 356082). Advanced modeling of protein sequence and biophysical properties (such as structural, functional, and spatial information, amino acid conservation, physicochemical variation, residue mobility, and thermodynamic stability) has been performed at Invitae for this missense variant, however the output from this modeling did not meet the statistical confidence thresholds required to predict the impact of this variant on NHLRC1 protein function. In summary, the available evidence is currently insufficient to determine the role of this variant in disease. Therefore, it has been classified as a Variant of Uncertain Significance.

Illumina Laboratory Services, Illumina
Classification: Uncertain significance for Myoclonic epilepsy of Lafora 1. Last evaluated: 2018-01-13. Review status: criteria provided, single submitter. Criteria: ICSL Variant Classification Criteria 13 December 2019. Collection method: clinical testing. Allele origin: germline.